The following is an entry in ClinVar:

NM_006361.6(HOXB13):c.221C>A (p.Ser74Tyr)

Gene: HOXB13 (homeobox B13; minus strand). Cytogenetic location: 17q21.32.
Variant type: single nucleotide variant.
Coding change: c.221C>A on transcript NM_006361.6 (MANE Select); coding-DNA position 221, C replaced by A.
Protein change: p.Ser74Tyr; replaces serine 74 with tyrosine.
Molecular consequence: missense variant.
Genome position (GRCh38, 1-based): chr17:48,728,373, G>T on the plus strand (C>A on the coding strand, the complement: HOXB13 is on the minus strand). VCF-style: chr17-48728373-G-T. GRCh37 (hg19) VCF-style: chr17-46805735-G-T.
Other names: short protein forms S74Y.
Identifiers: ClinVar variation 3665071 (VCV003665071.2).

ClinVar aggregate classification (germline): Uncertain significance (1 of 4 stars; one submission).

Submission:

Labcorp Genetics (formerly Invitae), Labcorp
Classification: Uncertain significance. Last evaluated: 2024-11-13. Review status: criteria provided, single submitter. Criteria: Invitae Variant Classification Sherloc (09022015). Collection method: clinical testing. Allele origin: germline.
Comment: This sequence change replaces serine, which is neutral and polar, with tyrosine, which is neutral and polar, at codon 74 of the HOXB13 protein (p.Ser74Tyr). This variant is not present in population databases (gnomAD no frequency). This variant has not been reported in the literature in individuals affected with HOXB13-related conditions. Invitae Evidence Modeling of protein sequence and biophysical properties (such as structural, functional, and spatial information, amino acid conservation, physicochemical variation, residue mobility, and thermodynamic stability) indicates that this missense variant is not expected to disrupt HOXB13 protein function with a negative predictive value of 80%. In summary, the available evidence is currently insufficient to determine the role of this variant in disease. Therefore, it has been classified as a Variant of Uncertain Significance.